The following is an entry in ClinVar:

ClinVar aggregate classification (germline): Uncertain significance (1 of 4 stars; one submission).

Conditions:
Familial hemiplegic migraine. Identifiers: MedGen C0338484, MONDO:0000700.

Allele frequency attached by ClinVar (database versions not stated): gnomAD exomes below 0.00001; gnomAD 0.00001.
gnomAD v4.1: 8 of 1,614,070 alleles (0.0005%); highest among the groups gnomAD compares: Non-Finnish European, 0.00068%; no homozygotes.

Submission:

Labcorp Genetics (formerly Invitae), Labcorp
Classification: Uncertain significance for Familial hemiplegic migraine. Last evaluated: 2022-12-13. Review status: criteria provided, single submitter. Criteria: Invitae Variant Classification Sherloc (09022015). Collection method: clinical testing. Allele origin: germline.
Comment: In summary, the available evidence is currently insufficient to determine the role of this variant in disease. Therefore, it has been classified as a Variant of Uncertain Significance. Advanced modeling of protein sequence and biophysical properties (such as structural, functional, and spatial information, amino acid conservation, physicochemical variation, residue mobility, and thermodynamic stability) has been performed at Invitae for this missense variant, however the output from this modeling did not meet the statistical confidence thresholds required to predict the impact of this variant on ATP1A2 protein function. This variant has not been reported in the literature in individuals affected with ATP1A2-related conditions. This variant is not present in population databases (gnomAD no frequency). This sequence change replaces aspartic acid, which is acidic and polar, with asparagine, which is neutral and polar, at codon 569 of the ATP1A2 protein (p.Asp569Asn).

NM_000702.4(ATP1A2):c.1705G>A (p.Asp569Asn)

Gene: ATP1A2 (ATPase Na+/K+ transporting subunit alpha 2; plus strand). Cytogenetic location: 1q23.2.
Variant type: single nucleotide variant.
Coding change: c.1705G>A on transcript NM_000702.4 (MANE Select); coding-DNA position 1705, G replaced by A.
Protein change: p.Asp569Asn; replaces aspartic acid 569 with asparagine.
Molecular consequence: missense variant.
Genome position (GRCh38, 1-based): chr1:160,130,475, G>A. VCF-style: chr1-160130475-G-A. GRCh37 (hg19) VCF-style: chr1-160100265-G-A.
Other names: short protein forms D569N.
Identifiers: ClinVar variation 2726280 (VCV002726280.3), dbSNP rs1409103763, ClinGen allele CA343244167.